The following is an entry in ClinVar:

ClinVar aggregate classification (germline): Uncertain significance (1 of 4 stars; one submission).

Submission:

Labcorp Genetics (formerly Invitae), Labcorp
Classification: Uncertain significance. Last evaluated: 2022-04-01. Review status: criteria provided, single submitter. Criteria: Invitae Variant Classification Sherloc (09022015). Collection method: clinical testing. Allele origin: germline.
Comment: In summary, the available evidence is currently insufficient to determine the role of this variant in disease. Therefore, it has been classified as a Variant of Uncertain Significance. This sequence change replaces arginine, which is basic and polar, with glycine, which is neutral and non-polar, at codon 3741 of the ADGRV1 protein (p.Arg3741Gly). This variant is not present in population databases (gnomAD no frequency). This variant has not been reported in the literature in individuals affected with ADGRV1-related conditions. Algorithms developed to predict the effect of missense changes on protein structure and function are either unavailable or do not agree on the potential impact of this missense change (SIFT: "Deleterious"; PolyPhen-2: "Benign"; Align-GVGD: "Class C0").

NM_032119.4(ADGRV1):c.11221C>G (p.Arg3741Gly)

Gene: ADGRV1 (adhesion G protein-coupled receptor V1; plus strand). Cytogenetic location: 5q14.3.
Variant type: single nucleotide variant.
Coding change: c.11221C>G on transcript NM_032119.4 (MANE Select); coding-DNA position 11221, C replaced by G.
Protein change: p.Arg3741Gly; replaces arginine 3741 with glycine.
Molecular consequence: missense variant. On other transcripts: non-coding transcript variant (1).
Genome position (GRCh38, 1-based): chr5:90,753,673, C>G. VCF-style: chr5-90753673-C-G. GRCh37 (hg19) VCF-style: chr5-90049490-C-G.
Other names: short protein forms R3741G.
Identifiers: ClinVar variation 2120435 (VCV002120435.4), dbSNP rs200182869, ClinGen allele CA360364833.
Genomic context (GRCh38, chr5:90,753,673, plus strand): 5'-CTAACTATTCTTGCTGATAATATACCAGAGTTATCAGAGGTTGTGATTGTAACCCTCACC[C>G]GTATCACCACAGAAGGGGTTGAGGACTCATACAAAGGTGCTACTATTGATCAGGACAGAA-3'
Protein context (NP_115495.3, residues 3731-3751): LSEVVIVTLT[Arg3741Gly]ITTEGVEDSY